The following is an entry in ClinVar:

NM_001081.4(CUBN):c.1003G>A (p.Ala335Thr)

Gene: CUBN (cubilin; minus strand). Cytogenetic location: 10p13.
Variant type: single nucleotide variant.
Coding change: c.1003G>A on transcript NM_001081.4 (MANE Select); coding-DNA position 1003, G replaced by A.
Protein change: p.Ala335Thr; replaces alanine 335 with threonine.
Molecular consequence: missense variant.
Genome position (GRCh38, 1-based): chr10:17,110,931, C>T on the plus strand (G>A on the coding strand, the complement: CUBN is on the minus strand). VCF-style: chr10-17110931-C-T. GRCh37 (hg19) VCF-style: chr10-17152930-C-T.
Other names: short protein forms A335T.
Identifiers: ClinVar variation 299531 (VCV000299531.21), dbSNP rs57335729, ClinGen allele CA5425454.

ClinVar aggregate classification (germline): Benign/Likely benign. Review status: criteria provided, multiple submitters, no conflicts (2 of 4 stars). 7 submissions from 7 submitters: Benign (3); Likely benign (1). 3 of the submissions do not count toward it. Last evaluated 2026-01-27.

Conditions:
Imerslund-Grasbeck syndrome type 1 (IGS1). Also called: Megaloblastic anemia 1, Finnish type; MEGALOBLASTIC ANEMIA, 1; Imerslund-Gräsbeck syndrome 1. Identifiers: MedGen C4016819, MONDO:0100156, OMIM 261100.
Imerslund-Grasbeck syndrome. Also called: Megaloblastic anemia due to inborn errors of metabolism; Imerslund-Gräsbeck syndrome; ENTEROCYTE COBALAMIN MALABSORPTION; ENTEROCYTE INTRINSIC FACTOR RECEPTOR, DEFECT OF; PERNICIOUS ANEMIA, JUVENILE, DUE TO SELECTIVE INTESTINAL MALABSORPTION OF VITAMIN B12, WITH PROTEINURIA. Identifiers: Orphanet 35858, MedGen C4551825, MONDO:0009853.
CUBN-related disorder. Also called: CUBN-related condition.

Allele frequency attached by ClinVar (database versions not stated): gnomAD 0.00382 and 0.00406; ESP Exome Variant Server 0.00469; 1000 Genomes Project 0.00499; TOPMed 0.00397; 1000 Genomes Project 30x 0.00547.
gnomAD v4.1: 1,117 of 1,614,190 alleles (0.069%); highest among the groups gnomAD compares: African/African-American, 1.4%; 11 homozygotes.

Submissions (7):

Labcorp Genetics (formerly Invitae), Labcorp
Classification: Benign for Imerslund-Grasbeck syndrome. Last evaluated: 2026-01-27. Review status: criteria provided, single submitter. Criteria: Invitae Variant Classification Sherloc (09022015). Collection method: clinical testing. Allele origin: germline.

Mayo Clinic Laboratories, Mayo Clinic
Classification: Benign. Last evaluated: 2025-09-09. Review status: criteria provided, single submitter. Criteria: ACMG Guidelines, 2015. Collection method: clinical testing. Allele origin: germline. Observed: 1 variant allele.
Comment: BS1, BS2, BP4

GeneDx
Classification: Likely benign. Last evaluated: 2020-02-24. Review status: criteria provided, single submitter. Criteria: GeneDx Variant Classification Process June 2021. Collection method: clinical testing. Allele origin: germline. Affected: yes.

Illumina Laboratory Services, Illumina
Classification: Benign for Imerslund-Grasbeck syndrome type 1. Last evaluated: 2018-01-13. Review status: criteria provided, single submitter. Criteria: ICSL Variant Classification Criteria 13 December 2019. Collection method: clinical testing. Allele origin: germline.
Comment: This variant was observed in the ICSL laboratory as part of a predisposition screen in an ostensibly healthy population. It had not been previously curated by ICSL or reported in the Human Gene Mutation Database (HGMD: prior to June 1st, 2018), and was therefore a candidate for classification through an automated scoring system. Utilizing variant allele frequency, disease prevalence and penetrance estimates, and inheritance mode, an automated score was calculated to assess if this variant is too frequent to cause the disease. Based on the score and internal cut-off values, a variant classified as benign is not then subjected to further curation. The score for this variant resulted in a classification of benign for this disease.

PreventionGenetics, part of Exact Sciences
Classification: Benign for CUBN-related condition. Last evaluated: 2020-06-25. Review status: no assertion criteria provided. Collection method: clinical testing. Allele origin: germline. Not counted in ClinVar's aggregate classification.
Comment: This variant is classified as benign based on ACMG/AMP sequence variant interpretation guidelines (Richards et al. 2015 PMID: 25741868, with internal and published modifications).

Clinical Genetics DNA and cytogenetics Diagnostics Lab, Erasmus MC, Erasmus Medical Center
Classification: Benign. Review status: no assertion criteria provided. Collection method: clinical testing. Allele origin: germline. Affected: yes. Study: VKGL Data-share Consensus. Not counted in ClinVar's aggregate classification.

Genome Diagnostics Laboratory, University Medical Center Utrecht
Classification: Likely benign. Review status: no assertion criteria provided. Collection method: clinical testing. Allele origin: germline. Affected: yes. Study: VKGL Data-share Consensus. Not counted in ClinVar's aggregate classification.